The following is an entry in ClinVar:

ClinVar aggregate classification (germline): Conflicting classifications of pathogenicity. Review status: criteria provided, conflicting classifications (1 of 4 stars). 3 submissions from 3 submitters: Likely pathogenic (2); Uncertain significance (1). Last evaluated 2025-05-15.

Submissions (3):

GeneDx
Classification: Likely pathogenic. Last evaluated: 2025-05-15. Review status: criteria provided, single submitter. Criteria: GeneDx Variant Classification Process June 2021. Collection method: clinical testing. Allele origin: germline. Affected: yes.
Comment: Not observed at significant frequency in large population cohorts (gnomAD); In silico analysis supports that this missense variant has a deleterious effect on protein structure/function; This variant is associated with the following publications: (PMID: 29127764, 36208030, 32027066, 35112188, 31291970)

Labcorp Genetics (formerly Invitae), Labcorp
Classification: Uncertain significance. Last evaluated: 2023-12-18. Review status: criteria provided, single submitter. Criteria: Invitae Variant Classification Sherloc (09022015). Collection method: clinical testing. Allele origin: germline.
Comment: This sequence change replaces arginine, which is basic and polar, with tryptophan, which is neutral and slightly polar, at codon 50 of the KCNJ11 protein (p.Arg50Trp). This variant is not present in population databases (gnomAD no frequency). This missense change has been observed in individual(s) with congenital hyperinsulinism and/or type 2 diabetes (PMID: 29127764, 31291970, 32027066). Advanced modeling of protein sequence and biophysical properties (such as structural, functional, and spatial information, amino acid conservation, physicochemical variation, residue mobility, and thermodynamic stability) performed at Invitae indicates that this missense variant is expected to disrupt KCNJ11 protein function with a positive predictive value of 95%. Experimental studies have shown that this missense change affects KCNJ11 function (PMID: 29127764). In summary, the available evidence is currently insufficient to determine the role of this variant in disease. Therefore, it has been classified as a Variant of Uncertain Significance.

Athena Diagnostics
Classification: Likely pathogenic. Last evaluated: 2023-10-17. Review status: criteria provided, single submitter. Criteria: Athena Diagnostics Criteria. Collection method: clinical testing. Allele origin: unknown.
Comment: This variant has been identified in at least one individual with clinical features associated with this gene. This variant has not been reported in large, multi-ethnic general populations. Assessment of experimental evidence regarding the effect of this variant on protein function is inconclusive (PMID: 29127764). Multiple missense variants at this codon, including at least one considered to be pathogenic or likely pathogenic, have been reported in individuals with clinical features associated with this gene, suggesting this variant may also cause disease.

Literature cited by the submitters: PubMed 29127764 (cited by Labcorp Genetics (formerly Invitae), Labcorp and Athena Diagnostics); PubMed 31291970 (cited by Labcorp Genetics (formerly Invitae), Labcorp and Athena Diagnostics); PubMed 32027066 (cited by Labcorp Genetics (formerly Invitae), Labcorp and Athena Diagnostics); PubMed 36208030 (cited by Athena Diagnostics); PubMed 35112188 (cited by Athena Diagnostics).

NM_000525.4(KCNJ11):c.148C>T (p.Arg50Trp)

Gene: KCNJ11 (potassium inwardly rectifying channel subfamily J member 11; minus strand). Cytogenetic location: 11p15.1.
Variant type: single nucleotide variant.
Coding change: c.148C>T on transcript NM_000525.4 (MANE Select); coding-DNA position 148, C replaced by T.
Protein change: p.Arg50Trp; replaces arginine 50 with tryptophan.
Molecular consequence: missense variant. On other transcripts: intron variant (3).
Genome position (GRCh38, 1-based): chr11:17,387,944, G>A on the plus strand (C>T on the coding strand, the complement: KCNJ11 is on the minus strand). VCF-style: chr11-17387944-G-A. GRCh37 (hg19) VCF-style: chr11-17409491-G-A.
Other names: c.-16-98C>T (NM_001166290.2, NM_001377297.1); c.-17+74C>T (NM_001377296.1); c.148C>T (NM_000525.3); short protein forms R50W.
Identifiers: ClinVar variation 2915459 (VCV002915459.5), dbSNP rs1221366142, ClinGen allele CA379776370.